The following is an entry in ClinVar:

ClinVar aggregate classification (germline): Uncertain significance. Review status: criteria provided, multiple submitters, no conflicts (2 of 4 stars). 3 submissions from 3 submitters: Uncertain significance (3). Last evaluated 2025-05-30.

Conditions:
Inborn genetic diseases. Identifiers: MedGen C0950123, MeSH D030342.

Allele frequency attached by ClinVar (database versions not stated): gnomAD exomes below 0.00001 and 0.00001; TOPMed below 0.00001; ExAC 0.00001; gnomAD 0.00001.
gnomAD v4.1: 11 of 1,613,506 alleles (0.00068%); highest among the groups gnomAD compares: Non-Finnish European, 0.00085%; no homozygotes.

Submissions (3):

Ambry Genetics
Classification: Uncertain significance for Inborn genetic diseases. Last evaluated: 2025-05-30. Review status: criteria provided, single submitter. Criteria: Ambry Variant Classification Scheme 2023. Collection method: clinical testing. Allele origin: germline.
Comment: The p.P434L variant (also known as c.1301C>T), located in coding exon 12 of the DDX41 gene, results from a C to T substitution at nucleotide position 1301. The proline at codon 434 is replaced by leucine, an amino acid with similar properties. This amino acid position is highly conserved in available vertebrate species. In addition, the in silico prediction for this alteration is inconclusive. Based on the available evidence, the clinical significance of this variant remains unclear.

Labcorp Genetics (formerly Invitae), Labcorp
Classification: Uncertain significance. Last evaluated: 2024-05-06. Review status: criteria provided, single submitter. Criteria: Invitae Variant Classification Sherloc (09022015). Collection method: clinical testing. Allele origin: germline.
Comment: This sequence change replaces proline, which is neutral and non-polar, with leucine, which is neutral and non-polar, at codon 434 of the DDX41 protein (p.Pro434Leu). This variant is present in population databases (rs765273800, gnomAD 0.0009%). This variant has not been reported in the literature in individuals affected with DDX41-related conditions. ClinVar contains an entry for this variant (Variation ID: 1313715). An algorithm developed to predict the effect of missense changes on protein structure and function (PolyPhen-2) suggests that this variant is likely to be tolerated. In summary, the available evidence is currently insufficient to determine the role of this variant in disease. Therefore, it has been classified as a Variant of Uncertain Significance.

GeneDx
Classification: Uncertain significance. Last evaluated: 2020-11-30. Review status: criteria provided, single submitter. Criteria: GeneDx Variant Classification Process June 2021. Collection method: clinical testing. Allele origin: germline. Affected: yes.
Comment: Not observed at a significant frequency in large population cohorts (Lek et al., 2016); In silico analysis supports that this missense variant has a deleterious effect on protein structure/function; Has not been previously published as pathogenic or benign to our knowledge

NM_016222.4(DDX41):c.1301C>T (p.Pro434Leu)

Gene: DDX41 (DEAD-box helicase 41; minus strand). Cytogenetic location: 5q35.3.
Variant type: single nucleotide variant.
Coding change: c.1301C>T on transcript NM_016222.4 (MANE Select); coding-DNA position 1301, C replaced by T.
Protein change: p.Pro434Leu; replaces proline 434 with leucine.
Molecular consequence: missense variant.
Genome position (GRCh38, 1-based): chr5:177,513,012, G>A on the plus strand (C>T on the coding strand, the complement: DDX41 is on the minus strand). VCF-style: chr5-177513012-G-A. GRCh37 (hg19) VCF-style: chr5-176940013-G-A.
Other names: c.923C>T, p.Pro308Leu (NM_001321732.2, NM_001321830.2); short protein forms P308L, P434L.
Identifiers: ClinVar variation 1313715 (VCV001313715.6), dbSNP rs765273800, ClinGen allele CA3584820.